The following is an entry in ClinVar:

ClinVar aggregate classification (germline): Likely pathogenic (1 of 4 stars; one submission).

Submission:

Labcorp Genetics (formerly Invitae), Labcorp
Classification: Likely pathogenic. Last evaluated: 2022-10-14. Review status: criteria provided, single submitter. Criteria: Invitae Variant Classification Sherloc (09022015). Collection method: clinical testing. Allele origin: germline.
Comment: In summary, the currently available evidence indicates that the variant is pathogenic, but additional data are needed to prove that conclusively. Therefore, this variant has been classified as Likely Pathogenic. Algorithms developed to predict the effect of sequence changes on RNA splicing suggest that this variant may disrupt the consensus splice site. This variant has not been reported in the literature in individuals affected with RS1-related conditions. This variant is not present in population databases (gnomAD no frequency). This sequence change affects an acceptor splice site in intron 4 of the RS1 gene. It is expected to disrupt RNA splicing. Variants that disrupt the donor or acceptor splice site typically lead to a loss of protein function (PMID: 16199547), and loss-of-function variants in RS1 are known to be pathogenic (PMID: 9618178, 17172462).

Literature cited by the submitters: PubMed 16199547; PubMed 9618178; PubMed 17172462.

NM_000330.4(RS1):c.327-1G>A

Genes: CDKL5 (cyclin dependent kinase like 5; plus strand), RS1 (retinoschisin 1; minus strand). Cytogenetic location: Xp22.13.
Variant type: single nucleotide variant.
Coding change: c.327-1G>A on transcript NM_000330.4 (MANE Select); the canonical splice acceptor site of the intron before coding-DNA position 327, G replaced by A.
Molecular consequence: splice acceptor variant. On other transcripts: intron variant (2).
Genome position (GRCh38, 1-based): chrX:18,644,626, C>T on the plus strand (G>A on the coding strand, the complement: RS1 is on the minus strand). VCF-style: chrX-18644626-C-T. GRCh37 (hg19) VCF-style: chrX-18662746-C-T.
Other names: c.2714-1381C>T (NM_003159.3, NM_001037343.2).
Identifiers: ClinVar variation 2031614 (VCV002031614.4), dbSNP rs2518920188, ClinGen allele CA412372363.